The following is an entry in ClinVar:

ClinVar aggregate classification (germline): Uncertain significance (1 of 4 stars; one submission).

Conditions:
CMPK2-related disorder. Also called: CMPK2-related condition.

Submission:

PreventionGenetics, part of Exact Sciences
Classification: Uncertain significance for CMPK2-related condition. Last evaluated: 2025-01-23. Review status: criteria provided, single submitter. Criteria: ACMG Guidelines, 2015. Collection method: clinical testing. Allele origin: germline.
Comment: The CMPK2 c.1071C>A variant is predicted to result in the amino acid substitution p.His357Gln. To our knowledge, this variant has not been reported in the literature or in a large population database (gnomad), indicating this variant is rare. At this time, the clinical significance of this variant is uncertain due to the absence of conclusive functional and genetic evidence.

NM_207315.4(CMPK2):c.1071C>A (p.His357Gln)

Gene: CMPK2 (cytidine/uridine monophosphate kinase 2; minus strand). Cytogenetic location: 2p25.2.
Variant type: single nucleotide variant.
Coding change: c.1071C>A on transcript NM_207315.4 (MANE Select); coding-DNA position 1071, C replaced by A.
Protein change: p.His357Gln; replaces histidine 357 with glutamine.
Molecular consequence: missense variant. On other transcripts: non-coding transcript variant (1), intron variant (1).
Genome position (GRCh38, 1-based): chr2:6,851,605, G>T on the plus strand (C>A on the coding strand, the complement: CMPK2 is on the minus strand). VCF-style: chr2-6851605-G-T. GRCh37 (hg19) VCF-style: chr2-6991736-G-T.
Other names: c.1071C>A, p.His357Gln (NM_001256477.1); c.992+9579C>A (NM_001256478.1); short protein forms H357Q.
Identifiers: ClinVar variation 2629994 (VCV002629994.2), dbSNP rs201507613, ClinGen allele CA345753179.
Genomic context (GRCh38, chr2:6,851,605, plus strand): 5'-CACAGTGAGCAGCAGGATAAGGTCAGGTTTGAGCAGGTCCTCTGGCCACTGGTACACAGG[G>T]TGATGGGCTGGGGGCAGGTGCTGGAGACCCCCACTCACCTCAGTGGCTATGGCATAGGTG-3'
Protein context (NP_997198.2, residues 347-367): GGLQHLPPAH[His357Gln]PVYQWPEDLL